The following is an entry in ClinVar:

ClinVar aggregate classification (germline): Uncertain significance. Review status: criteria provided, multiple submitters, no conflicts (2 of 4 stars). 2 submissions from 2 submitters: Uncertain significance (2). Last evaluated 2026-08-17.

Conditions:
PDE6B-related disorder. Also called: PDE6B-related disease; PDE6B-related condition; PDE6B-related disorders.

gnomAD v4.1: 33 of 1,613,160 alleles (0.002%); highest among the groups gnomAD compares: Admixed American, 0.005%; no homozygotes.

Submissions (2):

PreventionGenetics, part of Exact Sciences
Classification: Uncertain significance for PDE6B-related condition. Last evaluated: 2026-08-17. Review status: criteria provided, single submitter. Criteria: ACMG Guidelines, 2015. Collection method: clinical testing. Allele origin: germline.
Comment: The PDE6B c.179T>A variant is predicted to result in the amino acid substitution p.Leu60Gln. To our knowledge, this variant has not been reported in the literature. This variant is present in 0.0029% of alleles in individuals of Latino descent in gnomAD. At this time, the clinical significance of this variant is uncertain due to the absence of conclusive functional and genetic evidence.

Blueprint Genetics
Classification: Uncertain significance. Last evaluated: 2024-06-21. Review status: criteria provided, single submitter. Criteria: ACMG Guidelines, 2015. Collection method: clinical testing. Allele origin: germline.

NM_000283.4(PDE6B):c.179T>A (p.Leu60Gln)

Gene: PDE6B (phosphodiesterase 6B; plus strand). Cytogenetic location: 4p16.3.
Variant type: single nucleotide variant.
Coding change: c.179T>A on transcript NM_000283.4 (MANE Select); coding-DNA position 179, T replaced by A.
Protein change: p.Leu60Gln; replaces leucine 60 with glutamine.
Molecular consequence: missense variant.
Genome position (GRCh38, 1-based): chr4:625,805, T>A. VCF-style: chr4-625805-T-A. GRCh37 (hg19) VCF-style: chr4-619594-T-A.
Other names: c.179T>A, p.Leu60Gln (NM_001145291.2, NM_001440547.1, NM_001440548.1); c.179T>A (NM_000283.3); short protein forms L60Q.
Identifiers: ClinVar variation 4965824 (VCV004965824.2).
Genomic context (GRCh38, chr4:625,805, plus strand): 5'-GCCCGCCGGACTGCGACAGCCTCCGGGACCTCTGCCAGGTGGAGGAGAGCACGGCGCTGC[T>A]GGAGCTGGTGCAGGATATGCAGGAGAGCATCAACATGGAGCGCGTGGTCTTCAAGGTCCT-3'
Protein context (NP_000274.3, residues 50-70): LCQVEESTAL[Leu60Gln]ELVQDMQESI